The following is an entry in ClinVar:

ClinVar aggregate classification (germline): Uncertain significance (1 of 4 stars; one submission).

Submission:

Ambry Genetics
Classification: Uncertain significance. Last evaluated: 2024-06-15. Review status: criteria provided, single submitter. Criteria: Ambry Variant Classification Scheme 2023. Collection method: clinical testing. Allele origin: germline.
Comment: The p.L191I variant (also known as c.571C>A), located in coding exon 3 of the GALNT12 gene, results from a C to A substitution at nucleotide position 571. The leucine at codon 191 is replaced by isoleucine, an amino acid with highly similar properties. This amino acid position is conserved. In addition, this alteration is predicted to be tolerated by in silico analysis. Based on the available evidence, the clinical significance of this variant remains unclear.

NM_024642.5(GALNT12):c.571C>A (p.Leu191Ile)

Gene: GALNT12 (polypeptide N-acetylgalactosaminyltransferase 12; plus strand). Cytogenetic location: 9q22.33.
Variant type: single nucleotide variant.
Coding change: c.571C>A on transcript NM_024642.5 (MANE Select); coding-DNA position 571, C replaced by A.
Protein change: p.Leu191Ile; replaces leucine 191 with isoleucine.
Molecular consequence: missense variant.
Genome position (GRCh38, 1-based): chr9:98,826,781, C>A. VCF-style: chr9-98826781-C-A. GRCh37 (hg19) VCF-style: chr9-101589063-C-A.
Other names: short protein forms L191I.
Identifiers: ClinVar variation 3280555 (VCV003280555.1).